The following is an entry in ClinVar:

NM_000795.4(DRD2):c.1079G>A (p.Arg360His)

Gene: DRD2 (dopamine receptor D2; minus strand). Cytogenetic location: 11q23.2.
Variant type: single nucleotide variant.
Coding change: c.1079G>A on transcript NM_000795.4 (MANE Select); coding-DNA position 1079, G replaced by A.
Protein change: p.Arg360His; replaces arginine 360 with histidine.
Molecular consequence: missense variant.
Genome position (GRCh38, 1-based): chr11:113,412,615, C>T on the plus strand (G>A on the coding strand, the complement: DRD2 is on the minus strand). VCF-style: chr11-113412615-C-T. GRCh37 (hg19) VCF-style: chr11-113283337-C-T.
Other names: c.992G>A, p.Arg331His (NM_016574.4); c.1079G>A (NM_000795.3); short protein forms R331H, R360H.
Identifiers: ClinVar variation 1428794 (VCV001428794.33), dbSNP rs138873192, ClinGen allele CA6281197.

ClinVar aggregate classification (germline): Conflicting classifications of pathogenicity. Review status: criteria provided, conflicting classifications (1 of 4 stars). 4 submissions from 4 submitters: Uncertain significance (3); Likely benign (1). Last evaluated 2024-10-24.

Conditions:
Dystonic disorder. Also called: Dystonia. Identifiers: MedGen C0013421, MONDO:0003441, HP:0001332.

Allele frequency attached by ClinVar (database versions not stated): gnomAD 0.00012 and 0.00016; TOPMed 0.00013; ExAC 0.00017; ESP Exome Variant Server 0.00054.
gnomAD v4.1: 630 of 1,614,020 alleles (0.039%); highest among the groups gnomAD compares: Non-Finnish European, 0.051%; 1 homozygote.

Submissions (4):

Labcorp Genetics (formerly Invitae), Labcorp
Classification: Uncertain significance for Dystonic disorder. Last evaluated: 2024-10-24. Review status: criteria provided, single submitter. Criteria: Invitae Variant Classification Sherloc (09022015). Collection method: clinical testing. Allele origin: germline.
Comment: This sequence change replaces arginine, which is basic and polar, with histidine, which is basic and polar, at codon 360 of the DRD2 protein (p.Arg360His). This variant is present in population databases (rs138873192, gnomAD 0.03%), and has an allele count higher than expected for a pathogenic variant. This variant has not been reported in the literature in individuals affected with DRD2-related conditions. ClinVar contains an entry for this variant (Variation ID: 1428794). An algorithm developed to predict the effect of missense changes on protein structure and function (PolyPhen-2) suggests that this variant is likely to be tolerated. In summary, the available evidence is currently insufficient to determine the role of this variant in disease. Therefore, it has been classified as a Variant of Uncertain Significance.

CeGaT Center for Human Genetics Tuebingen
Classification: Likely benign. Last evaluated: 2023-03-01. Review status: criteria provided, single submitter. Criteria: CeGaT Center For Human Genetics Tuebingen Variant Classification Criteria Version 2. Collection method: clinical testing. Allele origin: germline. Affected: yes. Observed: 1 variant allele.
Comment: DRD2: BP4

Ambry Genetics
Classification: Uncertain significance. Last evaluated: 2021-09-15. Review status: criteria provided, single submitter. Criteria: Ambry Variant Classification Scheme 2023. Collection method: clinical testing. Allele origin: germline.

Breakthrough Genomics
Classification: Uncertain significance. Review status: criteria provided, single submitter. Criteria: ACMG Guidelines, 2015. Collection method: not provided. Allele origin: germline. Inheritance: Unknown mechanism. Affected: yes.